The following is an entry in ClinVar:

ClinVar aggregate classification (germline): Likely pathogenic. Review status: criteria provided, multiple submitters, no conflicts (2 of 4 stars). 4 submissions from 4 submitters: Likely pathogenic (3). 1 of the submissions does not count toward it. Last evaluated 2025-08-19.

Conditions:
Kidney stone. Also called: Nephrolithiasis. Identifiers: MedGen C0392525, MONDO:0008171, HP:0000787.
Nephrocalcinosis. Also called: Hypercalcemic nephropathy. Identifiers: MedGen C0027709, MONDO:0001567, HP:0000121.
Primary hyperoxaluria, type II (HP2). Also called: GLYCERIC ACIDURIA; GLYOXYLATE REDUCTASE/HYDROXYPYRUVATE REDUCTASE DEFICIENCY; OXALOSIS II; Primary hyperoxaluria type 2; D-GLYCERATE DEHYDROGENASE DEFICIENCY. Identifiers: Orphanet 416, Orphanet 93599, MedGen C0268165, MONDO:0009824, OMIM 260000. Disease mechanism: loss of function.

Allele frequency attached by ClinVar (database versions not stated): gnomAD exomes 0.00002 and below 0.00001; ExAC 0.00001; gnomAD 0.00001; TOPMed 0.00001.
gnomAD v4.1: 22 of 1,549,252 alleles (0.0014%); highest among the groups gnomAD compares: Non-Finnish European, 0.002%; no homozygotes.

Submissions (5):

Natera, Inc.
Classification: Likely pathogenic for Primary hyperoxaluria type II. Last evaluated: 2025-08-19. Review status: criteria provided, single submitter. Criteria: Natera Variant Classification Schema (03/2026). Collection method: clinical testing. Allele origin: germline.
Comment: The c.404+5G>A variant in GRHPR is an intronic variant located outside the canonical splice sites. This variant is rare in the general population with a frequency below the threshold expected for the associated phenotype(s). This variant has been observed in one or more individuals affected with the associated recessive disease, as either homozygous or compound heterozygous with a second variant (PMID: 25644115). Computational prediction algorithms indicate this variant is likely to affect gene or protein function. Given the available evidence, this variant is classified as Likely Pathogenic.

Labcorp Genetics (formerly Invitae), Labcorp
Classification: Likely pathogenic. Last evaluated: 2025-04-28. Review status: criteria provided, single submitter. Criteria: Invitae Variant Classification Sherloc (09022015). Collection method: clinical testing. Allele origin: germline.
Comment: This sequence change falls in intron 4 of the GRHPR gene. It does not directly change the encoded amino acid sequence of the GRHPR protein. It affects a nucleotide within the consensus splice site. This variant is present in population databases (rs757796926, gnomAD 0.0009%). This variant has been observed in individuals with primary hyperoxaluria type II (PMID: 25644115, 28893421). ClinVar contains an entry for this variant (Variation ID: 548673). Variants that disrupt the consensus splice site are a relatively common cause of aberrant splicing (PMID: 17576681, 9536098). Algorithms developed to predict the effect of sequence changes on RNA splicing suggest that this variant may disrupt the consensus splice site. In summary, the currently available evidence indicates that the variant is pathogenic, but additional data are needed to prove that conclusively. Therefore, this variant has been classified as Likely Pathogenic.

Fulgent Genetics
Classification: Likely pathogenic for Primary hyperoxaluria, type II. Last evaluated: 2021-12-30. Review status: criteria provided, single submitter. Criteria: ACMG Guidelines, 2015. Collection method: clinical testing. Allele origin: unknown.

Yale Center for Mendelian Genomics, Yale University
Classification: Likely pathogenic for Nephrolithiasis; Nephrocalcinosis. Last evaluated: 2017-09-08. Review status: no assertion criteria provided. Collection method: literature only. Allele origin: germline. Affected: yes. Observed: 2 compound heterozygotes. Not counted in ClinVar's aggregate classification.

Dr. Peter K. Rogan Lab, Western University
No classification provided (evidence only). Condition: Sarcoma. Review status: no classification provided. Collection method: in vitro. Allele origin: not applicable. Functional consequence: skipped exon, retained intron. Not counted in ClinVar's aggregate classification.

Literature cited by the submitters: PubMed 25644115 (cited by Natera, Inc. and Labcorp Genetics (formerly Invitae), Labcorp); PubMed 28893421 (cited by Labcorp Genetics (formerly Invitae), Labcorp and Yale Center for Mendelian Genomics, Yale University); PubMed 17576681 (cited by Labcorp Genetics (formerly Invitae), Labcorp); PubMed 9536098 (cited by Labcorp Genetics (formerly Invitae), Labcorp).

NM_012203.2(GRHPR):c.404+5G>A

Gene: GRHPR (glyoxylate and hydroxypyruvate reductase; plus strand). Cytogenetic location: 9p13.2.
Variant type: single nucleotide variant.
Coding change: c.404+5G>A on transcript NM_012203.2 (MANE Select); 5 bases into the intron after coding-DNA position 404, G replaced by A.
Molecular consequence: intron variant.
Genome position (GRCh38, 1-based): chr9:37,426,659, G>A. VCF-style: chr9-37426659-G-A. GRCh37 (hg19) VCF-style: chr9-37426656-G-A.
Identifiers: ClinVar variation 548673 (VCV000548673.17), dbSNP rs757796926, ClinGen allele CA5059032.